The following is an entry in ClinVar:

NM_130384.3(ATRIP):c.1066G>A (p.Gly356Arg)

Genes: ATRIP-TREX1 (ATRIP-TREX1 readthrough; plus strand), ATRIP (ATR interacting protein; plus strand). Cytogenetic location: 3p21.31.
Variant type: single nucleotide variant.
Coding change: c.1066G>A on transcript NM_130384.3 (MANE Select); coding-DNA position 1066, G replaced by A.
Protein change: p.Gly356Arg; replaces glycine 356 with arginine.
Molecular consequence: missense variant. On other transcripts: non-coding transcript variant (1).
Genome position (GRCh38, 1-based): chr3:48,460,120, G>A. VCF-style: chr3-48460120-G-A. GRCh37 (hg19) VCF-style: chr3-48501519-G-A.
Other names: c.1066G>A (NM_130384.1); c.685G>A, p.Gly229Arg (NM_001271022.2); c.787G>A, p.Gly263Arg (NM_001271023.2); c.1066G>A, p.Gly356Arg (NM_032166.4); short protein forms G229R, G356R, G263R.
Identifiers: ClinVar variation 735680 (VCV000735680.11), dbSNP rs145979024, ClinGen allele CA2376138.

ClinVar aggregate classification (germline): Conflicting classifications of pathogenicity. Review status: criteria provided, conflicting classifications (1 of 4 stars). 2 submissions from 2 submitters: Uncertain significance (1); Likely benign (1). Last evaluated 2025-12-03.

Allele frequency attached by ClinVar (database versions not stated): 1000 Genomes Project 30x 0.00031; gnomAD exomes 0.00035 and 0.00054; gnomAD 0.00036 and 0.00039; 1000 Genomes Project 0.00040; ExAC 0.00056; TOPMed 0.00011; ESP Exome Variant Server 0.00023.
gnomAD v4.1: 568 of 1,610,280 alleles (0.035%); highest among the groups gnomAD compares: Non-Finnish European, 0.024%; 2 homozygotes.

Submissions (2):

Labcorp Genetics (formerly Invitae), Labcorp
Classification: Likely benign. Last evaluated: 2025-12-03. Review status: criteria provided, single submitter. Criteria: Invitae Variant Classification Sherloc (09022015). Collection method: clinical testing. Allele origin: germline.

Ambry Genetics
Classification: Uncertain significance. Last evaluated: 2025-01-27. Review status: criteria provided, single submitter. Criteria: Ambry Variant Classification Scheme 2023. Collection method: clinical testing. Allele origin: germline.
Comment: The p.G356R variant (also known as c.1066G>A), located in coding exon 8 of the ATRIP gene, results from a G to A substitution at nucleotide position 1066. The glycine at codon 356 is replaced by arginine, an amino acid with dissimilar properties. This amino acid position is well conserved in available vertebrate species. In addition, this alteration is predicted to be tolerated by in silico analysis. The evidence for this gene-disease relationship is limited; therefore, the clinical significance of this alteration is unclear.